The following is an entry in ClinVar:

ClinVar aggregate classification (germline): Pathogenic (1 of 4 stars; one submission).

Conditions:
Primary ciliary dyskinesia. Also called: Ciliary dyskinesia. Identifiers: Orphanet 244, MedGen C0008780, MONDO:0016575, HP:0012265.

Submission:

Labcorp Genetics (formerly Invitae), Labcorp
Classification: Pathogenic for Primary ciliary dyskinesia. Last evaluated: 2024-12-29. Review status: criteria provided, single submitter. Criteria: Invitae Variant Classification Sherloc (09022015). Collection method: clinical testing. Allele origin: germline.
Comment: This sequence change creates a premature translational stop signal (p.Leu3733*) in the DNAH11 gene. It is expected to result in an absent or disrupted protein product. Loss-of-function variants in DNAH11 are known to be pathogenic (PMID: 18022865, 20513915, 22184204). This variant is not present in population databases (gnomAD no frequency). This variant has not been reported in the literature in individuals affected with DNAH11-related conditions. For these reasons, this variant has been classified as Pathogenic.

Literature cited by the submitters: PubMed 18022865; PubMed 20513915; PubMed 22184204.

NM_001277115.2(DNAH11):c.11198T>A (p.Leu3733Ter)

Gene: DNAH11 (dynein axonemal heavy chain 11; plus strand). Cytogenetic location: 7p15.3.
Variant type: single nucleotide variant.
Coding change: c.11198T>A on transcript NM_001277115.2 (MANE Select); coding-DNA position 11198, T replaced by A.
Protein change: p.Leu3733Ter; replaces leucine 3733 with a stop codon.
Molecular consequence: nonsense.
Genome position (GRCh38, 1-based): chr7:21,854,451, T>A. VCF-style: chr7-21854451-T-A. GRCh37 (hg19) VCF-style: chr7-21894069-T-A.
Other names: short protein forms L3733*.
Identifiers: ClinVar variation 3728236 (VCV003728236.2).